The following is an entry in ClinVar:

NM_025132.4(WDR19):c.2386G>T (p.Ala796Ser)

Gene: WDR19 (WD repeat domain 19; plus strand). Cytogenetic location: 4p14.
Variant type: single nucleotide variant.
Coding change: c.2386G>T on transcript NM_025132.4 (MANE Select); coding-DNA position 2386, G replaced by T.
Protein change: p.Ala796Ser; replaces alanine 796 with serine.
Molecular consequence: missense variant.
Genome position (GRCh38, 1-based): chr4:39,240,299, G>T. VCF-style: chr4-39240299-G-T. GRCh37 (hg19) VCF-style: chr4-39241919-G-T.
Other names: c.1906G>T, p.Ala636Ser (NM_001317924.2); short protein forms A636S, A796S.
Identifiers: ClinVar variation 2941601 (VCV002941601.3), dbSNP rs187332731, ClinGen allele CA356636809.

ClinVar aggregate classification (germline): Uncertain significance (1 of 4 stars; one submission).

Conditions:
Senior-Loken syndrome 8 (SLSN8). Identifiers: Orphanet 3156, MedGen C4225376, MONDO:0014579, OMIM 616307.
Asphyxiating thoracic dystrophy 5 (SRTD5). Also called: SHORT-RIB THORACIC DYSPLASIA 5 WITH OR WITHOUT POLYDACTYLY; SHORT-RIB THORACIC DYSPLASIA 5 WITHOUT POLYDACTYLY. Identifiers: Orphanet 474, MedGen C3280598, MONDO:0013717, OMIM 614376.

gnomAD v4.1: 1 of 1,427,798 alleles (0.00007%); highest among the groups gnomAD compares: Non-Finnish European, 0.000092%; no homozygotes.

Submission:

Labcorp Genetics (formerly Invitae), Labcorp
Classification: Uncertain significance for Senior-Loken syndrome 8; Asphyxiating thoracic dystrophy 5. Last evaluated: 2023-01-03. Review status: criteria provided, single submitter. Criteria: Invitae Variant Classification Sherloc (09022015). Collection method: clinical testing. Allele origin: germline.
Comment: In summary, the available evidence is currently insufficient to determine the role of this variant in disease. Therefore, it has been classified as a Variant of Uncertain Significance. Advanced modeling of protein sequence and biophysical properties (such as structural, functional, and spatial information, amino acid conservation, physicochemical variation, residue mobility, and thermodynamic stability) performed at Invitae indicates that this missense variant is not expected to disrupt WDR19 protein function. This variant has not been reported in the literature in individuals affected with WDR19-related conditions. This variant is not present in population databases (gnomAD no frequency). This sequence change replaces alanine, which is neutral and non-polar, with serine, which is neutral and polar, at codon 796 of the WDR19 protein (p.Ala796Ser).